The following is an entry in ClinVar:

NM_006206.6(PDGFRA):c.2439+4A>G

Gene: PDGFRA (platelet derived growth factor receptor alpha; plus strand). Cytogenetic location: 4q12.
Variant type: single nucleotide variant.
Coding change: c.2439+4A>G on transcript NM_006206.6 (MANE Select); 4 bases into the intron after coding-DNA position 2439, A replaced by G.
Molecular consequence: intron variant.
Genome position (GRCh38, 1-based): chr4:54,285,490, A>G. VCF-style: chr4-54285490-A-G. GRCh37 (hg19) VCF-style: chr4-55151657-A-G.
Other names: c.2514+4A>G (NM_001347828.2); c.2439+4A>G (NM_001347829.2); c.2478+4A>G (NM_001347830.2).
Identifiers: ClinVar variation 847158 (VCV000847158.8), dbSNP rs765827823, ClinGen allele CA2922853.
Genomic context (GRCh38, chr4:54,285,490, plus strand): 5'-TTGTTGAGCTTCACCTATCAAGTTGCCCGAGGAATGGAGTTTTTGGCTTCAAAAAATGTA[A>G]GTTCAAGGAACACAGACCTTTTTAGACCCAGATTTCAGTGAGTGGAGTGTGGACGGAGAT-3'

ClinVar aggregate classification (germline): Uncertain significance (1 of 4 stars; one submission).

Conditions:
Gastrointestinal stromal tumor. Also called: Gastrointestinal stromal tumor, somatic; Gastrointestinal stroma tumor. Identifiers: Orphanet 44890, MedGen C0238198, MeSH D046152, MONDO:0011719, OMIM 606764, HP:0100723.

Allele frequency attached by ClinVar (database versions not stated): gnomAD exomes below 0.00001; ExAC 0.00001; gnomAD 0.00001; TOPMed 0.00001.

Submission:

Labcorp Genetics (formerly Invitae), Labcorp
Classification: Uncertain significance for Gastrointestinal stromal tumor. Last evaluated: 2025-11-25. Review status: criteria provided, single submitter. Criteria: Invitae Variant Classification Sherloc (09022015). Collection method: clinical testing. Allele origin: germline.
Comment: This sequence change falls in intron 17 of the PDGFRA gene. It does not directly change the encoded amino acid sequence of the PDGFRA protein. It affects a nucleotide within the consensus splice site. This variant is present in population databases (rs765827823, gnomAD 0.007%). This variant has not been reported in the literature in individuals affected with PDGFRA-related conditions. ClinVar contains an entry for this variant (Variation ID: 847158). Variants that disrupt the consensus splice site are a relatively common cause of aberrant splicing (PMID: 17576681, 9536098). Algorithms developed to predict the effect of sequence changes on RNA splicing suggest that this variant may disrupt the consensus splice site. In summary, the available evidence is currently insufficient to determine the role of this variant in disease. Therefore, it has been classified as a Variant of Uncertain Significance.

Literature cited by the submitters: PubMed 17576681; PubMed 9536098.